The following is an entry in ClinVar:

NM_024675.4(PALB2):c.2903C>G (p.Ala968Gly)

Gene: PALB2 (partner and localizer of BRCA2; minus strand). Cytogenetic location: 16p12.2.
Variant type: single nucleotide variant.
Coding change: c.2903C>G on transcript NM_024675.4 (MANE Select); coding-DNA position 2903, C replaced by G.
Protein change: p.Ala968Gly; replaces alanine 968 with glycine.
Molecular consequence: missense variant.
Genome position (GRCh38, 1-based): chr16:23,623,062, G>C on the plus strand (C>G on the coding strand, the complement: PALB2 is on the minus strand). VCF-style: chr16-23623062-G-C. GRCh37 (hg19) VCF-style: chr16-23634383-G-C.
Other names: short protein forms A968G.
Identifiers: ClinVar variation 126695 (VCV000126695.42), dbSNP rs369132015, ClinGen allele CA167762.

ClinVar aggregate classification (germline): Conflicting classifications of pathogenicity. Review status: criteria provided, conflicting classifications (1 of 4 stars). 14 submissions from 14 submitters: Uncertain significance (11); Benign (1); Likely benign (1). 1 of the submissions does not count toward it. Last evaluated 2026-03-16.

Conditions:
PALB2-related disorder. Also called: PALB2-related disorders; PALB2-related condition.
Breast-ovarian cancer, familial, susceptibility to, 5 (BROVCA5). Identifiers: MedGen C5830615, MONDO:0957530, OMIM 620442.
Fanconi anemia complementation group N. Also called: PALB2-Related Fanconi Anemia. Identifiers: Orphanet 84, MedGen C1835817, MONDO:0012565, OMIM 610832. Disease mechanism: loss of function.
Pancreatic cancer, susceptibility to, 3. Identifiers: Orphanet 1333, MedGen C3150547, MONDO:0013236, OMIM 613348.
Hereditary cancer-predisposing syndrome. Also called: Neoplastic Syndromes, Hereditary; Tumor predisposition; Hereditary Cancer Syndrome; Hereditary neoplastic syndrome. Identifiers: Orphanet 140162, MedGen C0027672, MeSH D009386, MONDO:0015356.
Familial cancer of breast. Also called: hereditary breast carcinoma; Hereditary breast cancer; BREAST CANCER, FAMILIAL. Identifiers: Orphanet 227535, MedGen C0346153, MONDO:0016419, OMIM 114480. Disease mechanism: loss of function.

Allele frequency attached by ClinVar (database versions not stated): gnomAD exomes 0.00001 and 0.00002; ExAC 0.00002; gnomAD 0.00002; TOPMed 0.00002; ESP Exome Variant Server 0.00008.
gnomAD v4.1: 22 of 1,613,914 alleles (0.0014%); highest among the groups gnomAD compares: Non-Finnish European, 0.0019%; no homozygotes.

Submissions 1 to 8 of 15:

PreventionGenetics, part of Exact Sciences
Classification: Uncertain significance for PALB2-related condition. Last evaluated: 2026-03-16. Review status: criteria provided, single submitter. Criteria: ACMG Guidelines, 2015. Collection method: clinical testing. Allele origin: germline.
Comment: The PALB2 c.2903C>G variant is predicted to result in the amino acid substitution p.Ala968Gly. This variant has been reported in single cases of pancreatic ductal adenocarcinoma, Lynch syndrome, and breast cancer (Shindo et al. 2017. PubMed ID: 28767289; Yurgelun et al. 2015. PubMed ID: 25980754; Tischkowitz et al. 2012. PubMed ID: 22241545; Girard et al. 2019. PubMed ID: 30303537, Table S3). However, the c.2903C>G variant was interpreted as uncertain in one report (Shindo et al. 2017. PubMed ID: 28767289). This variant is reported in 0.0054% of alleles in individuals of European (Non-Finnish) descent in gnomAD and has conflicting interpretations of pathogenicity in ClinVar ranging from uncertain significance to benign (Variation ID: 126695). At this time, the clinical significance of this variant is uncertain due to the absence of conclusive functional and genetic evidence.

Labcorp Genetics (formerly Invitae), Labcorp
Classification: Uncertain significance for Familial cancer of breast. Last evaluated: 2026-01-26. Review status: criteria provided, single submitter. Criteria: Invitae Variant Classification Sherloc (09022015). Collection method: clinical testing. Allele origin: germline.
Comment: This sequence change replaces alanine, which is neutral and non-polar, with glycine, which is neutral and non-polar, at codon 968 of the PALB2 protein (p.Ala968Gly). This variant is present in population databases (rs369132015, gnomAD 0.006%). This missense change has been observed in individual(s) with breast cancer, pancreatic cancer, and/or suspected Lynch syndrome (PMID: 22241545, 25980754, 28767289, 30303537). ClinVar contains an entry for this variant (Variation ID: 126695). Invitae Evidence Modeling of protein sequence and biophysical properties (such as structural, functional, and spatial information, amino acid conservation, physicochemical variation, residue mobility, and thermodynamic stability) indicates that this missense variant is expected to disrupt PALB2 protein function with a positive predictive value of 80%. RNA analysis performed to evaluate the impact of this missense change on mRNA splicing indicates it does not significantly alter splicing (internal data). In summary, the available evidence is currently insufficient to determine the role of this variant in disease. Therefore, it has been classified as a Variant of Uncertain Significance.

Women's Health and Genetics/Laboratory Corporation of America, LabCorp
Classification: Uncertain significance. Last evaluated: 2025-12-12. Review status: criteria provided, single submitter. Criteria: LabCorp Variant Classification Summary - May 2015. Collection method: clinical testing. Allele origin: germline.
Comment: Variant summary: PALB2 c.2903C>G (p.Ala968Gly) results in a non-conservative amino acid change located in the WD40 domain (IPR031920) of the encoded protein sequence. Algorithms developed to predict the effect of missense changes on protein structure and function are either unavailable or do not agree on the potential impact of this missense change. The variant allele was found at a frequency of 2e-05 in 251472 control chromosomes (gnomAD). The available data on variant occurrences in the general population are insufficient to allow any conclusion about variant significance. c.2903C>G has been reported in the literature in individuals with breast cancer (example, Tischkowitz_2012, Girard_2019), as a VUS in individuals undergoing Lynch syndrome testing (Yurgelun_2015), as a VUS in an individual with PDAC (Shindo_2017). These reports do not provide unequivocal conclusions about association of the variant with Hereditary Breast And Ovarian Cancer Syndrome. To our knowledge, no experimental evidence demonstrating an impact on protein function has been reported. The following publications have been ascertained in the context of this evaluation (PMID: 30303537, 28767289, 22241545, 25980754, 36273432). ClinVar contains an entry for this variant (Variation ID: 126695). Based on the evidence outlined above, the variant was classified as uncertain significance.

Quest Diagnostics Nichols Institute San Juan Capistrano
Classification: Uncertain significance. Last evaluated: 2025-06-19. Review status: criteria provided, single submitter. Criteria: Quest Diagnostics criteria. Collection method: clinical testing. Allele origin: unknown.
Comment: The PALB2 c.2903C>G (p.Ala968Gly) variant has been reported in individuals with breast cancer (PMID: 22241545 (2012), 29522266 (2018), 30303537 (2019), 33471991 (2021), see also LOVD), ovarian cancer (PMID: 2546565 (2021)), pancreatic cancer (PMID: 32659497 (2020), 28767289 (2017)) and a Lynch syndrome associated cancer (PMID: 25980754 (2015)). This variant has also been identified in reportedly unaffected individuals (PMID: 33471991 (2021), see also LOVD). The frequency of this variant in the general population (Genome Aggregation Database) is uninformative in the assessment of its pathogenicity. Analysis of this variant using bioinformatics tools for the prediction of the effect of amino acid changes on protein structure and function yielded conflicting predictions that this variant is benign or damaging. Based on the available information, we are unable to determine the clinical significance of this variant.

Ambry Genetics
Classification: Uncertain significance for Hereditary cancer-predisposing syndrome. Last evaluated: 2025-06-13. Review status: criteria provided, single submitter. Criteria: Ambry Variant Classification Scheme 2023. Collection method: clinical testing. Allele origin: germline.
Comment: The p.A968G variant (also known as c.2903C>G), located in coding exon 9 of the PALB2 gene, results from a C to G substitution at nucleotide position 2903. The alanine at codon 968 is replaced by glycine, an amino acid with similar properties. This variant has been detected in multiple breast cancer cohorts (Hauke J et al. Cancer Med, 2018 04;7:1349-1358; Girard E et al. Int J Cancer, 2019 04;144:1962-1974; Dorling et al. N Engl J Med. 2021 02;384:428-439), but has also been identified in a cohort of control patients without breast cancer (Dorling et al. N Engl J Med. 2021 02;384:428-439). This alteration has also been identified in pancreatic cancer patients undergoing multigene panel testing (Shindo K et al. J Clin Oncol, 2017 Oct;35:3382-3390; Hu H et al. J Am Coll Surg, 2020 11;231:527-535.e14). This amino acid position is well conserved in available vertebrate species. In addition, this alteration is predicted to be tolerated by in silico analysis. Since supporting evidence is limited at this time, the clinical significance of this alteration remains unclear.

Center for Genomic Medicine, Rigshospitalet, Copenhagen University Hospital
Classification: Uncertain significance. Last evaluated: 2025-03-04. Review status: criteria provided, single submitter. Criteria: ACMG Guidelines, 2015. Collection method: clinical testing. Allele origin: germline.

Department of Pathology and Laboratory Medicine, Sinai Health System
Classification: Uncertain significance for Fanconi anemia complementation group N; Pancreatic cancer, susceptibility to, 3; Breast-ovarian cancer, familial, susceptibility to, 5. Last evaluated: 2024-12-09. Review status: criteria provided, single submitter. Criteria: ACMG Guidelines, 2015. Collection method: clinical testing. Allele origin: germline.

Myriad Genetics, Inc.
Classification: Benign for Familial cancer of breast. Last evaluated: 2024-10-30. Review status: criteria provided, single submitter. Criteria: Myriad Autosomal Dominant, Autosomal Recessive and X-Linked Classification Criteria (2023). Collection method: clinical testing. Allele origin: unknown.
Comment: This variant is considered benign. This variant has been observed in trans with a known pathogenic variant in one or more individuals lacking clinical features consistent with gene-specific recessive disease. This variant is strongly associated with less severe personal and family histories of cancer, typical for individuals without pathogenic variants in this gene [PMID: 25085752].